The following is an entry in ClinVar:

NM_032776.3(JMJD1C):c.2033A>G (p.Glu678Gly)

Gene: JMJD1C (jumonji domain containing 1C; minus strand). Cytogenetic location: 10q21.3.
Variant type: single nucleotide variant.
Coding change: c.2033A>G on transcript NM_032776.3 (MANE Select); coding-DNA position 2033, A replaced by G.
Protein change: p.Glu678Gly; replaces glutamic acid 678 with glycine.
Molecular consequence: missense variant. On other transcripts: non-coding transcript variant (1).
Genome position (GRCh38, 1-based): chr10:63,214,134, T>C on the plus strand (A>G on the coding strand, the complement: JMJD1C is on the minus strand). VCF-style: chr10-63214134-T-C. GRCh37 (hg19) VCF-style: chr10-64973894-T-C.
Other names: c.1487A>G, p.Glu496Gly (NM_001282948.2, NM_001318154.2); c.1169A>G, p.Glu390Gly (NM_001318153.2); c.1919A>G, p.Glu640Gly (NM_001322252.2); c.1376A>G, p.Glu459Gly (NM_001322254.2, NM_001322258.2); short protein forms E390G, E459G, E496G, E640G, E678G.
Identifiers: ClinVar variation 4799289 (VCV004799289.1).

ClinVar aggregate classification (germline): Uncertain significance (1 of 4 stars; one submission).

Conditions:
Early Myoclonic Encephalopathy. Identifiers: MedGen C0270855.

gnomAD v4.1: 1 of 1,614,214 alleles (0.000062%); highest among the groups gnomAD compares: Non-Finnish European, 0.000085%; no homozygotes.

Submission:

Labcorp Genetics (formerly Invitae), Labcorp
Classification: Uncertain significance for Early Myoclonic Encephalopathy. Last evaluated: 2025-04-22. Review status: criteria provided, single submitter. Criteria: Invitae Variant Classification Sherloc (09022015). Collection method: clinical testing. Allele origin: germline.
Comment: This sequence change replaces glutamic acid, which is acidic and polar, with glycine, which is neutral and non-polar, at codon 678 of the JMJD1C protein (p.Glu678Gly). This variant is present in population databases (no rsID available, gnomAD 0.0009%). This variant has not been reported in the literature in individuals affected with JMJD1C-related conditions. Invitae Evidence Modeling of protein sequence and biophysical properties (such as structural, functional, and spatial information, amino acid conservation, physicochemical variation, residue mobility, and thermodynamic stability) indicates that this missense variant is expected to disrupt JMJD1C protein function with a positive predictive value of 80%. In summary, the available evidence is currently insufficient to determine the role of this variant in disease. Therefore, it has been classified as a Variant of Uncertain Significance.